The following is an entry in ClinVar:

ClinVar aggregate classification (germline): Uncertain significance. Review status: criteria provided, multiple submitters, no conflicts (2 of 4 stars). 3 submissions from 3 submitters: Uncertain significance (3). Last evaluated 2025-08-07.

Conditions:
Hereditary cancer-predisposing syndrome. Also called: Hereditary neoplastic syndrome; Neoplastic Syndromes, Hereditary; Tumor predisposition; Hereditary Cancer Syndrome. Identifiers: Orphanet 140162, MedGen C0027672, MeSH D009386, MONDO:0015356.
Microcephaly, normal intelligence and immunodeficiency (NBS). Also called: IMMUNODEFICIENCY, MICROCEPHALY, AND CHROMOSOMAL INSTABILITY; SEEMANOVA SYNDROME II; Nijmegen breakage syndrome; Microcephaly with normal intelligence immunodeficiency and lymphoreticular malignancies; Nonsyndromal microcephaly autosomal recessive with normal intelligence; Seemanova syndrome 2. Identifiers: Orphanet 647, MedGen C0398791, MONDO:0009623, OMIM 251260.

gnomAD v4.1: 1 of 1,613,838 alleles (0.000062%); highest among the groups gnomAD compares: Non-Finnish European, 0.000085%; no homozygotes.

Submissions (3):

Ambry Genetics
Classification: Uncertain significance for Hereditary cancer-predisposing syndrome. Last evaluated: 2025-08-07. Review status: criteria provided, single submitter. Criteria: Ambry Variant Classification Scheme 2023. Collection method: clinical testing. Allele origin: germline.
Comment: The p.D444A variant (also known as c.1331A>C), located in coding exon 10 of the NBN gene, results from an A to C substitution at nucleotide position 1331. The aspartic acid at codon 444 is replaced by alanine, an amino acid with dissimilar properties. This variant was not reported in population based cohorts in the following databases: Database of Single Nucleotide Polymorphisms (dbSNP), NHLBI Exome Sequencing Project (ESP), and 1000 Genomes Project. In the ESP, this variant was not observed in 6503 samples (13006 alleles) with coverage at this position. To date, this alteration has been detected with an allele frequency of approximately 0.001% (greater than 175000 alleles tested) in our clinical cohort. This amino acid position is poorly conserved in available vertebrate species. In addition, this alteration is predicted to be tolerated by in silico analysis. Since supporting evidence is limited at this time, the clinical significance of this alteration remains unclear.

Labcorp Genetics (formerly Invitae), Labcorp
Classification: Uncertain significance for Microcephaly, normal intelligence and immunodeficiency. Last evaluated: 2023-01-02. Review status: criteria provided, single submitter. Criteria: Invitae Variant Classification Sherloc (09022015). Collection method: clinical testing. Allele origin: germline.
Comment: In summary, the available evidence is currently insufficient to determine the role of this variant in disease. Therefore, it has been classified as a Variant of Uncertain Significance. Algorithms developed to predict the effect of missense changes on protein structure and function output the following: SIFT: "Tolerated"; PolyPhen-2: "Benign"; Align-GVGD: "Class C0". The alanine amino acid residue is found in multiple mammalian species, which suggests that this missense change does not adversely affect protein function. ClinVar contains an entry for this variant (Variation ID: 481846). This variant has not been reported in the literature in individuals affected with NBN-related conditions. This variant is not present in population databases (gnomAD no frequency). This sequence change replaces aspartic acid, which is acidic and polar, with alanine, which is neutral and non-polar, at codon 444 of the NBN protein (p.Asp444Ala).

Genome-Nilou Lab
Classification: Uncertain significance for Microcephaly, normal intelligence and immunodeficiency. Last evaluated: 2021-11-07. Review status: criteria provided, single submitter. Criteria: ACMG Guidelines, 2015. Collection method: clinical testing. Allele origin: germline. Affected: no.

NM_002485.5(NBN):c.1331A>C (p.Asp444Ala)

Gene: NBN (nibrin; minus strand). Cytogenetic location: 8q21.3.
Variant type: single nucleotide variant.
Coding change: c.1331A>C on transcript NM_002485.5 (MANE Select); coding-DNA position 1331, A replaced by C.
Protein change: p.Asp444Ala; replaces aspartic acid 444 with alanine.
Molecular consequence: missense variant.
Genome position (GRCh38, 1-based): chr8:89,955,349, T>G on the plus strand (A>C on the coding strand, the complement: NBN is on the minus strand). VCF-style: chr8-89955349-T-G. GRCh37 (hg19) VCF-style: chr8-90967577-T-G.
Other names: c.1085A>C, p.Asp362Ala (NM_001024688.3); short protein forms D444A, D362A.
Identifiers: ClinVar variation 481846 (VCV000481846.17), dbSNP rs1237800234, ClinGen allele CA371656096.